The following is an entry in ClinVar:

NM_024649.5(BBS1):c.491A>G (p.Glu164Gly)

Gene: BBS1 (Bardet-Biedl syndrome 1; plus strand). Cytogenetic location: 11q13.2.
Variant type: single nucleotide variant.
Coding change: c.491A>G on transcript NM_024649.5 (MANE Select); coding-DNA position 491, A replaced by G.
Protein change: p.Glu164Gly; replaces glutamic acid 164 with glycine.
Molecular consequence: missense variant.
Genome position (GRCh38, 1-based): chr11:66,515,704, A>G. VCF-style: chr11-66515704-A-G. GRCh37 (hg19) VCF-style: chr11-66283175-A-G.
Other names: c.491A>G (NM_024649.4); short protein forms E164G.
Identifiers: ClinVar variation 1480124 (VCV001480124.6), dbSNP rs1319438351, ClinGen allele CA381457423.

ClinVar aggregate classification (germline): Uncertain significance. Review status: criteria provided, multiple submitters, no conflicts (2 of 4 stars). 2 submissions from 2 submitters: Uncertain significance (2). Last evaluated 2022-05-27.

Conditions:
Inborn genetic diseases. Identifiers: MedGen C0950123, MeSH D030342.
Bardet-Biedl syndrome (BBS). Identifiers: Orphanet 110, MedGen C0752166, MONDO:0015229.

Allele frequency attached by ClinVar (database versions not stated): gnomAD exomes below 0.00001 and 0.00001; TOPMed below 0.00001.
gnomAD v4.1: 3 of 1,614,188 alleles (0.00019%); highest among the groups gnomAD compares: Admixed American, 0.005%; no homozygotes.

Submissions (2):

Labcorp Genetics (formerly Invitae), Labcorp
Classification: Uncertain significance for Bardet-Biedl syndrome. Last evaluated: 2022-05-27. Review status: criteria provided, single submitter. Criteria: Invitae Variant Classification Sherloc (09022015). Collection method: clinical testing. Allele origin: germline.
Comment: This sequence change replaces glutamic acid, which is acidic and polar, with glycine, which is neutral and non-polar, at codon 164 of the BBS1 protein (p.Glu164Gly). This variant is present in population databases (no rsID available, gnomAD 0.003%). This variant has not been reported in the literature in individuals affected with BBS1-related conditions. Algorithms developed to predict the effect of missense changes on protein structure and function (SIFT, PolyPhen-2, Align-GVGD) all suggest that this variant is likely to be tolerated. In summary, the available evidence is currently insufficient to determine the role of this variant in disease. Therefore, it has been classified as a Variant of Uncertain Significance.

Ambry Genetics
Classification: Uncertain significance for Inborn genetic diseases. Last evaluated: 2022-01-04. Review status: criteria provided, single submitter. Criteria: Ambry Variant Classification Scheme 2023. Collection method: clinical testing. Allele origin: germline.